The following is an entry in ClinVar:

NM_001035.3(RYR2):c.3784C>A (p.Pro1262Thr)

Genes: RYR2 (ryanodine receptor 2; plus strand), LOC126806067 (BRD4-independent group 4 enhancer GRCh37_chr1:237753258-237754457; plus strand). Cytogenetic location: 1q43.
Variant type: single nucleotide variant.
Coding change: c.3784C>A on transcript NM_001035.3 (MANE Select); coding-DNA position 3784, C replaced by A.
Protein change: p.Pro1262Thr; replaces proline 1262 with threonine.
Molecular consequence: missense variant.
Genome position (GRCh38, 1-based): chr1:237,589,978, C>A. VCF-style: chr1-237589978-C-A. GRCh37 (hg19) VCF-style: chr1-237753278-C-A.
Other names: short protein forms P1262T.
Identifiers: ClinVar variation 1704124 (VCV001704124.3), dbSNP rs2546607712, ClinGen allele CA345396611.
Genomic context (GRCh38, chr1:237,589,978, plus strand): 5'-AATACAAACAGGGATATTACCATGTGGCTGAGCAAGAGGCTTCCTCAGTTTCTTCAAGTT[C>A]CATCAAACCATGAACATATAGAGGTTTGCTTTTTCTTTAAAAATCAGGCCATTTCTAAAA-3'
Protein context (NP_001026.2, residues 1252-1272): SKRLPQFLQV[Pro1262Thr]SNHEHIEVTR

ClinVar aggregate classification (germline): Uncertain significance. Review status: criteria provided, multiple submitters, no conflicts (2 of 4 stars). 2 submissions from 2 submitters: Uncertain significance (2). Last evaluated 2024-07-10.

Conditions:
Catecholaminergic polymorphic ventricular tachycardia (CVPT). Also called: Catecholamine-induced polymorphic ventricular tachycardia. Identifiers: Orphanet 3286, MedGen C5574922, MONDO:0017990.

Submissions (2):

All of Us Research Program, National Institutes of Health
Classification: Uncertain significance for Catecholaminergic polymorphic ventricular tachycardia. Last evaluated: 2024-07-10. Review status: criteria provided, single submitter. Criteria: ACMG Guidelines, 2015. Collection method: clinical testing. Allele origin: germline. Inheritance: Autosomal dominant inheritance. Observed: 2 variant alleles, 2 heterozygotes.
Comment: This missense variant replaces proline with threonine at codon 1262 of the RYR2 protein. Computational prediction is inconclusive regarding the impact of this variant on protein structure and function (internally defined REVEL score threshold 0.5 < inconclusive < 0.7, PMID: 27666373). To our knowledge, functional studies have not been reported for this variant. This variant has not been reported in individuals affected with RYR2-related disorders in the literature. This variant has not been identified in the general population by the Genome Aggregation Database (gnomAD). The available evidence is insufficient to determine the role of this variant in disease conclusively. Therefore, this variant is classified as a Variant of Uncertain Significance.

This study involves interpretation of variants in research participants for the purpose of population health screening. Participant phenotype was not available at the time of variant classification. Additional details can be found in publication PMID: 35346344, PMCID: PMC8962531

GeneDx
Classification: Uncertain significance. Last evaluated: 2022-03-01. Review status: criteria provided, single submitter. Criteria: GeneDx Variant Classification Process June 2021. Collection method: clinical testing. Allele origin: germline. Affected: yes.
Comment: Not observed at significant frequency in large population cohorts (gnomAD); In silico analysis supports that this missense variant has a deleterious effect on protein structure/function; Has not been previously published as pathogenic or benign to our knowledge; Not located in one of the three hot-spot regions of the RYR2 gene, where the majority of pathogenic missense variants occur (Medeiros-Domingo et al., 2009); This variant is associated with the following publications: (PMID: 19926015)